The following is an entry in ClinVar:

NM_201253.3(CRB1):c.1689C>G (p.Ser563Arg)

Gene: CRB1 (crumbs cell polarity complex component 1; plus strand). Cytogenetic location: 1q31.3.
Variant type: single nucleotide variant.
Coding change: c.1689C>G on transcript NM_201253.3 (MANE Select); coding-DNA position 1689, C replaced by G.
Protein change: p.Ser563Arg; replaces serine 563 with arginine.
Molecular consequence: missense variant. On other transcripts: non-coding transcript variant (2).
Genome position (GRCh38, 1-based): chr1:197,421,517, C>G. VCF-style: chr1-197421517-C-G. GRCh37 (hg19) VCF-style: chr1-197390647-C-G.
Other names: c.1353C>G, p.Ser451Arg (NM_001193640.2); c.1482C>G, p.Ser494Arg (NM_001257965.2); c.1689C>G, p.Ser563Arg (NM_001257966.2); short protein forms S451R, S494R, S563R.
Identifiers: ClinVar variation 3336099 (VCV003336099.1).
Genomic context (GRCh38, chr1:197,421,517, plus strand): 5'-CTTATCAATTCAGGTCAATAATCAGTCAAAGGTGCTTCTGTTCATTTCCCACAACACCAG[C>G]GATGGAGAGTGGCATTTCGTGGAGGTAATATTTGCAGAGGCTGTGACCCTTACCTTAATC-3'
Protein context (NP_957705.1, residues 553-573): KVLLFISHNT[Ser563Arg]DGEWHFVEVI

ClinVar aggregate classification (germline): Uncertain significance (1 of 4 stars; one submission).

Submission:

Women's Health and Genetics/Laboratory Corporation of America, LabCorp
Classification: Uncertain significance. Last evaluated: 2024-05-08. Review status: criteria provided, single submitter. Criteria: LabCorp Variant Classification Summary - May 2015. Collection method: clinical testing. Allele origin: germline.
Comment: Variant summary: CRB1 c.1689C>G (p.Ser563Arg) results in a non-conservative amino acid change located in the Laminin G domain (IPR001791) of the encoded protein sequence. Four of five in-silico tools predict a damaging effect of the variant on protein function. The variant was absent in 251258 control chromosomes. The available data on variant occurrences in the general population are insufficient to allow any conclusion about variant significance. To our knowledge, no occurrence of c.1689C>G in individuals affected with Retinal Dystrophy and no experimental evidence demonstrating its impact on protein function have been reported. No submitters have cited clinical-significance assessments for this variant to ClinVar. Based on the evidence outlined above, the variant was classified as uncertain significance.